The following is an entry in ClinVar:

ClinVar aggregate classification (germline): Uncertain significance (1 of 4 stars; one submission).

Allele frequency attached by ClinVar (database versions not stated): ExAC 0.00003; 1000 Genomes Project 30x 0.00016; 1000 Genomes Project 0.00020.
gnomAD v4.1: 72 of 1,614,032 alleles (0.0045%); highest among the groups gnomAD compares: Middle Eastern, 0.017%; no homozygotes.

Submission:

Labcorp Genetics (formerly Invitae), Labcorp
Classification: Uncertain significance. Last evaluated: 2022-10-05. Review status: criteria provided, single submitter. Criteria: Invitae Variant Classification Sherloc (09022015). Collection method: clinical testing. Allele origin: germline.
Comment: This sequence change replaces valine, which is neutral and non-polar, with methionine, which is neutral and non-polar, at codon 1789 of the LRRK1 protein (p.Val1789Met). This variant is present in population databases (rs536296948, gnomAD 0.01%). This variant has not been reported in the literature in individuals affected with LRRK1-related conditions. Algorithms developed to predict the effect of missense changes on protein structure and function are either unavailable or do not agree on the potential impact of this missense change (SIFT: "Deleterious"; PolyPhen-2: "Possibly Damaging"; Align-GVGD: "Class C0"). In summary, the available evidence is currently insufficient to determine the role of this variant in disease. Therefore, it has been classified as a Variant of Uncertain Significance.

NM_024652.6(LRRK1):c.5365G>A (p.Val1789Met)

Genes: LRRK1 (leucine rich repeat kinase 1; plus strand), LRRK1-AS1 (LRRK1 antisense RNA 1; minus strand). Cytogenetic location: 15q26.3.
Variant type: single nucleotide variant.
Coding change: c.5365G>A on transcript NM_024652.6 (MANE Select); coding-DNA position 5365, G replaced by A.
Protein change: p.Val1789Met; replaces valine 1789 with methionine.
Molecular consequence: missense variant.
Genome position (GRCh38, 1-based): chr15:101,065,802, G>A. VCF-style: chr15-101065802-G-A. GRCh37 (hg19) VCF-style: chr15-101606007-G-A.
Other names: short protein forms V1789M.
Identifiers: ClinVar variation 2173053 (VCV002173053.1), dbSNP rs536296948, ClinGen allele CA7762122.